The following is an entry in ClinVar:

NM_000548.5(TSC2):c.136_138+1del

Gene: TSC2 (TSC complex subunit 2; plus strand). Cytogenetic location: 16p13.3.
Variant type: Deletion.
Coding change: c.136_138+1del on transcript NM_000548.5 (MANE Select); coding-DNA position 136 through the canonical splice donor site of the intron after coding-DNA position 138, 4 bases deleted (AGAG; older notation c.136_138+1delAGAG).
Molecular consequence: splice donor variant. On other transcripts: intron variant (1).
Genome position (GRCh38, 1-based): chr16:2,048,751-2,048,754, AGAG deleted; deleting any 4 consecutive bases within chr16:2,048,750-2,048,754 gives the same sequence; the c. name uses the placement nearest the transcript's 3' end. VCF-style (leftmost placement, unchanged base first): chr16-2048749-TGAGA-T. GRCh37 (hg19) VCF-style: chr16-2098750-TGAGA-T.
Other names: c.136_138+1delAGAG (NM_000548.3); c.136_138+1del (NM_001114382.3, NM_021055.3, NM_001370405.1 and 4 more transcripts); c.-91_-89+1del (NM_001318831.2); c.-10+686_-10+689del (NM_001318829.2); c.169_171+1del (NM_001318832.2).
Identifiers: ClinVar variation 467865 (VCV000467865.7), dbSNP rs137854117, ClinGen allele CA658658339.
Genomic context (GRCh38, chr16:2,048,749, plus strand): 5'-GGCCAAATCCCAGGTCTGCAGAGGGTAAACAGACGGAGTTTATCATCACCGCGGAAATAC[TGAGA>T]GTGAGTGAGCTACCTGTGTCTTTGCTAGGCTAGAGGGAAATGCAGAGAAGGCTGGGTTTG-3'

ClinVar aggregate classification (germline): Pathogenic (1 of 4 stars; one submission).

Conditions:
Tuberous sclerosis 2 (TSC2). Identifiers: Orphanet 805, MedGen C1860707, MONDO:0013199, OMIM 613254.

Submission:

Labcorp Genetics (formerly Invitae), Labcorp
Classification: Pathogenic for Tuberous sclerosis 2. Last evaluated: 2017-06-21. Review status: criteria provided, single submitter. Criteria: Invitae Variant Classification Sherloc (09022015). Collection method: clinical testing. Allele origin: germline.
Comment: For these reasons, this variant has been classified as Pathogenic. Donor and acceptor splice site variants typically lead to a loss of protein function (PMID: 16199547), and loss-of-function variants in TSC2 are known to be pathogenic (PMID: 10205261, 17304050). A different deletion affecting 2 of these nucleotides (c.138_138+1del) has been determined to be pathogenic (PMID: 15595939, 25782670). This suggests that these nucleotides are important for normal RNA splicing, and that other variants at this position may also be pathogenic. Algorithms developed to predict the effect of sequence changes on RNA splicing suggest that this variant may disrupt the consensus splice site, but this prediction has not been confirmed by published transcriptional studies. This variant has not been reported in the literature in individuals with TSC2-related disease. This variant is not present in population databases (ExAC no frequency). This sequence change affects a donor splice site in intron 2 of the TSC2 gene. It is expected to disrupt RNA splicing and likely results in an absent or disrupted protein product.

Literature cited by the submitters: PubMed 16199547; PubMed 10205261; PubMed 17304050; PubMed 15595939; PubMed 25782670.